The following is an entry in ClinVar:

NM_004655.4(AXIN2):c.1618C>A (p.His540Asn)

Gene: AXIN2 (axin 2; minus strand). Cytogenetic location: 17q24.1.
Variant type: single nucleotide variant.
Coding change: c.1618C>A on transcript NM_004655.4 (MANE Select); coding-DNA position 1618, C replaced by A.
Protein change: p.His540Asn; replaces histidine 540 with asparagine.
Molecular consequence: missense variant.
Genome position (GRCh38, 1-based): chr17:65,537,418, G>T on the plus strand (C>A on the coding strand, the complement: AXIN2 is on the minus strand). VCF-style: chr17-65537418-G-T. GRCh37 (hg19) VCF-style: chr17-63533536-G-T.
Other names: c.1618C>A (LRG_296t1); c.1618C>A, p.His540Asn (NM_001363813.1); short protein forms H540N.
Identifiers: ClinVar variation 567639 (VCV000567639.15), dbSNP rs573731155, ClinGen allele CA8718600.

ClinVar aggregate classification (germline): Uncertain significance. Review status: criteria provided, multiple submitters, no conflicts (2 of 4 stars). 5 submissions from 5 submitters: Uncertain significance (5). Last evaluated 2025-11-05.

Conditions:
Hereditary cancer-predisposing syndrome. Also called: Neoplastic Syndromes, Hereditary; Tumor predisposition; Hereditary neoplastic syndrome; Hereditary Cancer Syndrome. Identifiers: Orphanet 140162, MedGen C0027672, MeSH D009386, MONDO:0015356.
Colorectal cancer. Also called: Colorectal cancer, somatic; Malignant Colorectal Neoplasm. Identifiers: MedGen C0346629, MONDO:0005575, OMIM 114500.
Oligodontia-cancer predisposition syndrome. Also called: TOOTH AGENESIS-COLORECTAL CANCER SYNDROME. Identifiers: Orphanet 300576, MedGen C1837750, MONDO:0012075, OMIM 608615. Disease mechanism: loss of function.

Allele frequency attached by ClinVar (database versions not stated): gnomAD exomes below 0.00001 and 0.00001; ExAC 0.00001; gnomAD 0.00001 and 0.00002; TOPMed 0.00001; 1000 Genomes Project 0.00040; 1000 Genomes Project 30x 0.00047.
gnomAD v4.1: 8 of 1,614,068 alleles (0.0005%); highest among the groups gnomAD compares: African/African-American, 0.011%; no homozygotes.

Submissions (5):

Labcorp Genetics (formerly Invitae), Labcorp
Classification: Uncertain significance for Oligodontia-cancer predisposition syndrome. Last evaluated: 2025-11-05. Review status: criteria provided, single submitter. Criteria: Invitae Variant Classification Sherloc (09022015). Collection method: clinical testing. Allele origin: germline.
Comment: This sequence change replaces histidine, which is basic and polar, with asparagine, which is neutral and polar, at codon 540 of the AXIN2 protein (p.His540Asn). This variant is present in population databases (rs573731155, gnomAD 0.008%). This variant has not been reported in the literature in individuals affected with AXIN2-related conditions. ClinVar contains an entry for this variant (Variation ID: 567639). Invitae Evidence Modeling of protein sequence and biophysical properties (such as structural, functional, and spatial information, amino acid conservation, physicochemical variation, residue mobility, and thermodynamic stability) indicates that this missense variant is not expected to disrupt AXIN2 protein function with a negative predictive value of 80%. In summary, the available evidence is currently insufficient to determine the role of this variant in disease. Therefore, it has been classified as a Variant of Uncertain Significance.

Quest Diagnostics Nichols Institute San Juan Capistrano
Classification: Uncertain significance. Last evaluated: 2025-02-13. Review status: criteria provided, single submitter. Criteria: Quest Diagnostics criteria. Collection method: clinical testing. Allele origin: unknown.
Comment: The AXIN2 c.1618C>A (p.His540Asn) variant has not been reported in individuals with AXIN2-related conditions in the published literature. The frequency of this variant in the general population (Genome Aggregation Database) is uninformative in the assessment of its pathogenicity. Analysis of this variant using bioinformatics tools for the prediction of the effect of amino acid changes on protein structure and function yielded predictions that this variant is benign. Based on the available information, we are unable to determine the clinical significance of this variant.

Ambry Genetics
Classification: Uncertain significance for Hereditary cancer-predisposing syndrome. Last evaluated: 2023-12-28. Review status: criteria provided, single submitter. Criteria: Ambry Variant Classification Scheme 2023. Collection method: clinical testing. Allele origin: germline.
Comment: The p.H540N variant (also known as c.1618C>A), located in coding exon 5 of the AXIN2 gene, results from a C to A substitution at nucleotide position 1618. The histidine at codon 540 is replaced by asparagine, an amino acid with similar properties. This amino acid position is poorly conserved in available vertebrate species. In addition, this alteration is predicted to be tolerated by in silico analysis. Since supporting evidence is limited at this time, the clinical significance of this alteration remains unclear.

Baylor Genetics
Classification: Uncertain significance for Colorectal cancer. Last evaluated: 2023-08-14. Review status: criteria provided, single submitter. Criteria: ACMG Guidelines, 2015. Collection method: clinical testing. Allele origin: unknown.

Sema4
Classification: Uncertain significance for Hereditary cancer-predisposing syndrome. Last evaluated: 2021-08-16. Review status: criteria provided, single submitter. Criteria: Sema4 Curation Guidelines. Collection method: curation. Allele origin: germline.
Comment: The AXIN2 c.1618C>A (p.H540N) variant has not been reported in the literature to our knowledge. It was observed in 2/24956 chromosomes of the African/African American subpopulation in the large and broad cohorts of the Genome Aggregation Database (PMID: 32461654). This variant has been reported in ClinVar (Variation ID 567639). In silico tools suggest the impact of the variant on protein function is benign, though these predictions have not been confirmed by functional studies. The evidence is insufficient to meet ACMG/AMP criteria for classifying the variant as benign or pathogenic. Thus, the clinical significance of this variant is currently uncertain.